The following is an entry in ClinVar:

ClinVar aggregate classification (germline): Uncertain significance (1 of 4 stars; one submission).

Conditions:
Hereditary cancer-predisposing syndrome. Also called: Hereditary neoplastic syndrome; Neoplastic Syndromes, Hereditary; Tumor predisposition; Hereditary Cancer Syndrome. Identifiers: Orphanet 140162, MedGen C0027672, MeSH D009386, MONDO:0015356.

Allele frequency attached by ClinVar (database versions not stated): gnomAD exomes below 0.00001.
gnomAD v4.1: 2 of 1,613,788 alleles (0.00012%); highest among the groups gnomAD compares: East Asian, 0.0045%; no homozygotes.

Submission:

Labcorp Genetics (formerly Invitae), Labcorp
Classification: Uncertain significance for Hereditary cancer-predisposing syndrome. Last evaluated: 2021-08-26. Review status: criteria provided, single submitter. Criteria: Invitae Variant Classification Sherloc (09022015). Collection method: clinical testing. Allele origin: germline.
Comment: This sequence change replaces lysine with threonine at codon 292 of the RAD50 protein (p.Lys292Thr). The lysine residue is moderately conserved and there is a moderate physicochemical difference between lysine and threonine. This variant is not present in population databases (ExAC no frequency). This variant has not been reported in the literature in individuals affected with RAD50-related conditions. Algorithms developed to predict the effect of missense changes on protein structure and function (SIFT, PolyPhen-2, Align-GVGD) all suggest that this variant is likely to be tolerated. In summary, the available evidence is currently insufficient to determine the role of this variant in disease. Therefore, it has been classified as a Variant of Uncertain Significance.

NM_005732.4(RAD50):c.875A>C (p.Lys292Thr)

Gene: RAD50 (RAD50 double strand break repair protein; plus strand). Cytogenetic location: 5q31.1.
Variant type: single nucleotide variant.
Coding change: c.875A>C on transcript NM_005732.4 (MANE Select); coding-DNA position 875, A replaced by C.
Protein change: p.Lys292Thr; replaces lysine 292 with threonine.
Molecular consequence: missense variant.
Genome position (GRCh38, 1-based): chr5:132,587,680, A>C. VCF-style: chr5-132587680-A-C. GRCh37 (hg19) VCF-style: chr5-131923372-A-C.
Other names: short protein forms K292T.
Identifiers: ClinVar variation 565823 (VCV000565823.8), dbSNP rs1561639017, ClinGen allele CA360940587.